The following is an entry in ClinVar:

ClinVar aggregate classification (germline): Likely benign (1 of 4 stars; one submission).

Conditions:
INPP5E-related disorder. Also called: INPP5E-related condition.

Submission:

PreventionGenetics, part of Exact Sciences
Classification: Likely benign for INPP5E-related condition. Last evaluated: 2026-08-28. Review status: criteria provided, single submitter. Criteria: ACMG Guidelines, 2015. Collection method: clinical testing. Allele origin: germline.
Comment: This variant is classified as likely benign based on ACMG/AMP sequence variant interpretation guidelines (Richards et al. 2015 PMID: 25741868, with internal and published modifications).

NM_019892.6(INPP5E):c.936+9C>T

Gene: INPP5E (inositol polyphosphate-5-phosphatase E; minus strand). Cytogenetic location: 9q34.3.
Variant type: single nucleotide variant.
Coding change: c.936+9C>T on transcript NM_019892.6 (MANE Select); 9 bases into the intron after coding-DNA position 936, C replaced by T.
Molecular consequence: intron variant.
Genome position (GRCh38, 1-based): chr9:136,434,731, G>A on the plus strand (C>T on the coding strand, the complement: INPP5E is on the minus strand). VCF-style: chr9-136434731-G-A. GRCh37 (hg19) VCF-style: chr9-139329183-G-A.
Other names: c.936+9C>T (NM_001318502.2).
Identifiers: ClinVar variation 4983067 (VCV004983067.1).
Genomic context (GRCh38, chr9:136,434,731, plus strand): 5'-TCCCCCTCACCCGCCTTTGTCCAGCACCACCCCACCCTTCCCCGCCCAGCACCACCCACA[G>A]CCACTCACCTTCTGGCCCTGCATGTTCCAGGTGGCCACGAAGAGTGCCACGTTCCGGTCT-3'